The following is an entry in ClinVar:

ClinVar aggregate classification (germline): Uncertain significance (1 of 4 stars; one submission).

Conditions:
Perlman syndrome (PRLMNS). Identifiers: Orphanet 2849, MedGen C0796113, MONDO:0009965, OMIM 267000.

Submission:

Labcorp Genetics (formerly Invitae), Labcorp
Classification: Uncertain significance for Perlman syndrome. Last evaluated: 2023-03-30. Review status: criteria provided, single submitter. Criteria: Invitae Variant Classification Sherloc (09022015). Collection method: clinical testing. Allele origin: germline.
Comment: Variants that disrupt the consensus splice site are a relatively common cause of aberrant splicing (PMID: 17576681, 9536098). Algorithms developed to predict the effect of sequence changes on RNA splicing suggest that this variant may disrupt the consensus splice site. This sequence change affects codon 234 of the DIS3L2 mRNA. It is a 'silent' change, meaning that it does not change the encoded amino acid sequence of the DIS3L2 protein. This variant also falls at the last nucleotide of exon 7, which is part of the consensus splice site for this exon. This variant is not present in population databases (gnomAD no frequency). This variant has not been reported in the literature in individuals affected with DIS3L2-related conditions. In summary, the available evidence is currently insufficient to determine the role of this variant in disease. Therefore, it has been classified as a Variant of Uncertain Significance.

Literature cited by the submitters: PubMed 17576681; PubMed 9536098.

NM_152383.5(DIS3L2):c.702G>A (p.Lys234=)

Gene: DIS3L2 (DIS3 like 3'-5' exoribonuclease 2; plus strand). Cytogenetic location: 2q37.1.
Variant type: single nucleotide variant.
Coding change: c.702G>A on transcript NM_152383.5 (MANE Select); coding-DNA position 702, G replaced by A.
Protein change: p.Lys234=; no amino-acid change (lysine 234 retained).
Molecular consequence: synonymous variant. On other transcripts: non-coding transcript variant (2).
Genome position (GRCh38, 1-based): chr2:232,130,719, G>A. VCF-style: chr2-232130719-G-A. GRCh37 (hg19) VCF-style: chr2-232995429-G-A.
Other names: c.702G>A, p.Lys234= (NM_001257281.2, NM_001257282.2).
Identifiers: ClinVar variation 2850853 (VCV002850853.3), dbSNP rs2469836906, ClinGen allele CA431909232.